The following is an entry in ClinVar:

ClinVar aggregate classification (germline): Uncertain significance (1 of 4 stars; one submission).

Conditions:
Intellectual developmental disorder, autosomal dominant 72 (MRD72). Identifiers: Orphanet 652487, MedGen C5830612, MONDO:0957397, OMIM 620439.

Submission:

3billion
Classification: Uncertain significance for Intellectual developmental disorder, autosomal dominant 72. Last evaluated: 2026-01-11. Review status: criteria provided, single submitter. Criteria: ACMG Guidelines, 2015. Collection method: clinical testing. Allele origin: germline. Affected: yes.
Comment: The variant is not observed in the gnomAD v4.1.0 dataset. Predicted Consequence/Location: Intron variant In silico tools predict the variant to alter splicing and produce an abnormal transcript [SpliceAI: 0.66 (>=0.2, moderate evidence for spliceogenicity)]. Therefore, this variant is classified as VUS according to the recommendation of ACMG/AMP guideline.

NM_016333.4(SRRM2):c.8136-3C>G

Gene: SRRM2 (serine/arginine repetitive matrix 2; plus strand). Cytogenetic location: 16p13.3.
Variant type: single nucleotide variant.
Coding change: c.8136-3C>G on transcript NM_016333.4 (MANE Select); 3 bases into the intron before coding-DNA position 8136, C replaced by G.
Molecular consequence: intron variant.
Genome position (GRCh38, 1-based): chr16:2,770,601, C>G. VCF-style: chr16-2770601-C-G. GRCh37 (hg19) VCF-style: chr16-2820602-C-G.
Identifiers: ClinVar variation 4856156 (VCV004856156.1).